The following is an entry in ClinVar:

NM_000520.6(HEXA):c.1274_1277dup (p.Tyr427fs)

Gene: HEXA (hexosaminidase subunit alpha; minus strand). Cytogenetic location: 15q23.
Variant type: Duplication.
Coding change: c.1274_1277dup on transcript NM_000520.6 (MANE Select); coding-DNA positions 1274 to 1277, 4 bases duplicated (TATC; older notation c.1274_1277dupTATC).
Protein change: p.Tyr427fs; shifts the reading frame from tyrosine 427.
Molecular consequence: frameshift variant.
Genome position (GRCh38, 1-based): chr15:72,346,580-72,346,583, GATA duplicated on the plus strand (TATC on the coding strand, the reverse complement: HEXA is on the minus strand). VCF-style (leftmost placement, unchanged base first): chr15-72346579-G-GGATA. GRCh37 (hg19) VCF-style: chr15-72638920-G-GGATA.
Other names: 1278insTATC; +TATC1278; p.Tyr427Ilefs*5; c.1274_1277dupTATC (NM_000520.4, NM_000520.5); c.1307_1310dup, p.Tyr438fs (NM_001318825.2); short protein forms Y427fs, Y438fs.
Identifiers: ClinVar variation 3889 (VCV000003889.235), dbSNP rs387906309, ClinGen allele CA325516.
Genomic context (GRCh38, chr15:72,346,579, plus strand): 5'-GCTTTCACCTTCAAATGCCAGGGGTTCCACTATGTAGAAATCCTTCCAGTCAGGGCCATA[G>GGATA]GATATACGGTTCAGGTACCAGGGGGCAGAGAGAAGGGCCCGGAAGCCGGCCTTGGTGACC-3'

ClinVar aggregate classification (germline): Pathogenic. Review status: criteria provided, multiple submitters, no conflicts (2 of 4 stars). 45 submissions from 45 submitters: Pathogenic (38). 7 of the submissions do not count toward it. Last evaluated 2026-07-28.

Conditions:
HEXA-related disorders.
HEXA-related disorder. Also called: HEXA-related condition.
Inborn genetic diseases. Identifiers: MedGen C0950123, MeSH D030342.
Tay-Sachs disease, variant AB. Also called: Gm2-gangliosidosis, ab variant; GM2 Activator Deficiency. Identifiers: Orphanet 309246, MedGen C0268275, MONDO:0010099, OMIM 272750.
Tay-Sachs disease (TSD). Also called: HEXA DEFICIENCY; Hexosaminidase A Deficiency; HEXA Disorders; GM2 gangliosidosis, type 1; Hexosaminidase alpha-subunit deficiency (variant B); Sphingolipidosis, Tay-Sachs. Identifiers: Orphanet 845, MedGen C0039373, MONDO:0010100, OMIM 272800.
Intellectual disability. Also called: Intellectual functioning disability; intellectual disabilities; Intellectual developmental disorder. Identifiers: MedGen C3714756, MeSH D008607, MONDO:0001071, HP:0001249.

Allele frequency attached by ClinVar (database versions not stated): gnomAD 0.00046 and 0.00045; ExAC 0.00064; gnomAD exomes 0.00053 and 0.00080; TOPMed 0.00058; ESP Exome Variant Server 0.00104.

Submissions 1 to 10 of 45:

Undiagnosed Diseases Network, NIH
Classification: Pathogenic for Tay-Sachs disease. Last evaluated: 2026-07-28. Review status: criteria provided, single submitter. Criteria: ACMG Guidelines, 2015. Collection method: clinical testing. Allele origin: paternal. Inheritance: Autosomal recessive inheritance. Affected: yes. Observed: 1 variant allele, 1 compound heterozygote. Study: Undiagnosed Diseases Network, UDN.

North West Genomic Laboratory Hub, Manchester University NHS Foundation Trust
Classification: Pathogenic for Tay-Sachs disease. Last evaluated: 2026-06-22. Review status: criteria provided, single submitter. Criteria: ACGS Best Practice Guidelines for Variant Classification in Rare Disease 2024. Collection method: clinical testing. Allele origin: germline. Affected: yes.
Comment: PVS1_VStr PM2_Mod PP4_Str PM3_VStr

PreventionGenetics, part of Exact Sciences
Classification: Pathogenic for HEXA-related condition. Last evaluated: 2026-02-05. Review status: criteria provided, single submitter. Criteria: ACMG Guidelines, 2015. Collection method: clinical testing. Allele origin: germline.
Comment: The HEXA c.1274_1277dupTATC variant is predicted to result in a frameshift and premature protein termination (p.Tyr427Ilefs*5). This is among the most common pathogenic variants in HEXA and is responsible for up to 80% of documented cases of Tay-Sachs Disease in the Ashkenazi Jewish population (Myerowitz et al. 1988. PubMed ID: 2848800; Kaback et al. 1993. PubMed ID: 20301397). This variant is interpreted as pathogenic.

Labcorp Genetics (formerly Invitae), Labcorp
Classification: Pathogenic for Tay-Sachs disease. Last evaluated: 2026-01-24. Review status: criteria provided, single submitter. Criteria: Invitae Variant Classification Sherloc (09022015). Collection method: clinical testing. Allele origin: germline.
Comment: This sequence change creates a premature translational stop signal (p.Tyr427Ilefs*5) in the HEXA gene. It is expected to result in an absent or disrupted protein product. Loss-of-function variants in HEXA are known to be pathogenic (PMID: 1833974, 8490625). This variant is present in population databases (rs387906309, gnomAD 1.3%), and has an allele count higher than expected for a pathogenic variant. This premature translational stop signal has been observed in individuals with Tay-Sachs disease (PMID: 2848800, 16352452, 20301397, 24518553, 25287655). It is commonly reported in individuals of Ashkenazi Jewish ancestry (PMID: 2848800, 22975760). This variant is also known as c.1277_1278insTATC. ClinVar contains an entry for this variant (Variation ID: 3889). Algorithms developed to predict the effect of sequence changes on RNA splicing suggest that this variant may disrupt the consensus splice site. For these reasons, this variant has been classified as Pathogenic.

Natera, Inc.
Classification: Pathogenic for Tay-Sachs disease. Last evaluated: 2025-12-18. Review status: criteria provided, single submitter. Criteria: Natera Variant Classification Schema (03/2026). Collection method: clinical testing. Allele origin: germline.
Comment: The c.1274_1277dupTATC variant in HEXA is a frameshift variant predicted to shift the reading frame beginning at codon 427 and leads to a stop codon 5 codons downstream. This variant is expected to result in nonsense mediated decay, truncation, or a dysfunctional protein product. This variant has been observed in one or more individuals affected with the associated recessive disease, as either homozygous or compound heterozygous with a second variant (PMID: 22791670, 16088929). Given the available evidence, this variant is classified as Pathogenic.

Dasa
Classification: Pathogenic. Last evaluated: 2025-12-16. Review status: criteria provided, single submitter. Criteria: DASA Assertion Criteria. Collection method: clinical testing. Allele origin: germline.
Comment: NM_000520.6(HEXA):c.1274_1277dup (p.Tyr427IlefsTer5) is a frameshift variant in HEXA predicted to alter the reading frame and introduce a premature termination codon and is predicted to result in an absent or altered protein product. Loss of function is an established disease mechanism for HEXA-associated disorders. Segregation data support an association with disease in the reported family/families (PMID: 16352452). This variant has been observed in affected individuals with HEXA-related disorders. This variant has been reported in individuals with HEXA-related disorders (PMID: 16352452). Also, this variant is rare in population databases. Based on the currently available evidence, this variant is classified as pathogenic.

Otogenetics
Classification: Pathogenic for Tay-Sachs disease. Last evaluated: 2025-11-21. Review status: criteria provided, single submitter. Criteria: ACMG Guidelines, 2015. Collection method: clinical testing. Allele origin: germline.
Comment: PVS1: Frameshift indel introduces premature stop codon in gene with loss of function as mechanism of disease, predicted to undergo NMD; PM3_VeryStrong Variant reported in homozygous state in 2 affected individuals and in trans with 4 pathogenic variants in 5 individuals affected with Tay Sachs disease (PMID: 9073025, 16088929, 22441121, 22789865, 27896118, 27959697)

GeneDx
Classification: Pathogenic. Last evaluated: 2025-11-14. Review status: criteria provided, single submitter. Criteria: GeneDx Variant Classification Process June 2021. Collection method: clinical testing. Allele origin: germline. Affected: yes.
Comment: Common pathogenic variant in the HEXA gene found in the Ashkenazi Jewish population and associated with infantile onset Tay-Sachs disease (PMID: 20301397); Frameshift variant predicted to result in protein truncation or nonsense mediated decay in a gene for which loss of function is a known mechanism of disease; This variant is associated with the following publications: (PMID: 8352284, 2848800, 30609409, 22975760, 25287655, 14727180, 8488832, 1830584, 2294750, 27033294, 1307230, 28503624, 21228398, 27959697, 29352662, 28333917, 30548430, 31076878, 31980526, 33083013, 33240792, 1387685, 37267771, 35586607, 35848209, 34554397, 33831955, 20301397, 38168508, 38532509)

CeGaT Center for Human Genetics Tuebingen
Classification: Pathogenic. Last evaluated: 2025-11-01. Review status: criteria provided, single submitter. Criteria: CeGaT Center For Human Genetics Tuebingen Variant Classification Criteria Version 2. Collection method: clinical testing. Allele origin: germline. Affected: yes. Observed: 4 variant alleles.
Comment: HEXA: PM3:Very Strong, PVS1, PM2

3billion
Classification: Pathogenic for Tay-Sachs disease. Last evaluated: 2025-03-31. Review status: criteria provided, single submitter. Criteria: ACMG Guidelines, 2015. Collection method: clinical testing. Allele origin: germline. Affected: yes.
Comment: The variant is observed at an extremely low frequency in the gnomAD v4.1.0 dataset (total allele frequency: 0.054%). Predicted Consequence/Location: Frameshift: predicted to result in a loss or disruption of normal protein function through nonsense-mediated decay (NMD) or protein truncation. Multiple pathogenic variants are reported downstream of the variant. The variant has been reported at least twice as pathogenic with clinical assertions and evidence for the classification (ClinVar ID: VCV000003889 / PMID: 2848800).Therefore, this variant is classified as Pathogenic according to the recommendation of ACMG/AMP guideline.